The following is an entry in ClinVar:

ClinVar aggregate classification (germline): Uncertain significance (1 of 4 stars; one submission).

Submission:

Labcorp Genetics (formerly Invitae), Labcorp
Classification: Uncertain significance. Last evaluated: 2022-06-17. Review status: criteria provided, single submitter. Criteria: Invitae Variant Classification Sherloc (09022015). Collection method: clinical testing. Allele origin: germline.
Comment: In summary, the available evidence is currently insufficient to determine the role of this variant in disease. Therefore, it has been classified as a Variant of Uncertain Significance. Algorithms developed to predict the effect of missense changes on protein structure and function are either unavailable or do not agree on the potential impact of this missense change (SIFT: "Not Available"; PolyPhen-2: "Probably Damaging"; Align-GVGD: "Not Available"). This variant has not been reported in the literature in individuals affected with KCNK4-related conditions. This variant is not present in population databases (gnomAD no frequency). This sequence change replaces proline, which is neutral and non-polar, with serine, which is neutral and polar, at codon 233 of the KCNK4 protein (p.Pro233Ser).

NM_033310.3(KCNK4):c.697C>T (p.Pro233Ser)

Genes: KCNK4 (potassium two pore domain channel subfamily K member 4; plus strand), KCNK4-CATSPERZ (KCNK4-CATSPERZ readthrough (NMD candidate); plus strand). Cytogenetic location: 11q13.1.
Variant type: single nucleotide variant.
Coding change: c.697C>T on transcript NM_033310.3 (MANE Select); coding-DNA position 697, C replaced by T.
Protein change: p.Pro233Ser; replaces proline 233 with serine.
Molecular consequence: missense variant. On other transcripts: non-coding transcript variant (3).
Genome position (GRCh38, 1-based): chr11:64,298,145, C>T. VCF-style: chr11-64298145-C-T. GRCh37 (hg19) VCF-style: chr11-64065617-C-T.
Other names: c.697C>T, p.Pro233Ser (NM_001317090.2); short protein forms P233S.
Identifiers: ClinVar variation 1360067 (VCV001360067.6), dbSNP rs2135233682, ClinGen allele CA381066118.